The following is an entry in ClinVar:

ClinVar aggregate classification (germline): Likely benign (0 of 4 stars; one submission).

Conditions:
NARS2-related disorder. Also called: NARS2-related condition.

Submission:

PreventionGenetics, part of Exact Sciences
Classification: Likely benign for NARS2-related condition. Last evaluated: 2020-01-13. Review status: no assertion criteria provided. Collection method: clinical testing. Allele origin: germline.
Comment: This variant is classified as likely benign based on ACMG/AMP sequence variant interpretation guidelines (Richards et al. 2015 PMID: 25741868, with internal and published modifications).

NM_024678.6(NARS2):c.447T>C (p.Thr149=)

Gene: NARS2 (asparaginyl-tRNA synthetase 2, mitochondrial; minus strand). Cytogenetic location: 11q14.1.
Variant type: single nucleotide variant.
Coding change: c.447T>C on transcript NM_024678.6 (MANE Select); coding-DNA position 447, T replaced by C.
Protein change: p.Thr149=; no amino-acid change (threonine 149 retained).
Molecular consequence: synonymous variant. On other transcripts: 5 prime UTR variant (1).
Genome position (GRCh38, 1-based): chr11:78,566,198, A>G on the plus strand (T>C on the coding strand, the complement: NARS2 is on the minus strand). VCF-style: chr11-78566198-A-G. GRCh37 (hg19) VCF-style: chr11-78277244-A-G.
Other names: c.-235T>C (NM_001243251.2, NM_001425310.1, NM_001425313.1 and 1 more transcripts); c.447T>C, p.Thr149= (NM_001425299.1, NM_001425300.1, NM_001425301.1 and 7 more transcripts); c.216T>C, p.Thr72= (NM_001425308.1); c.-110T>C (NM_001425311.1); c.-307T>C (NM_001425312.1).
Identifiers: ClinVar variation 3051887 (VCV003051887.2), dbSNP rs1422041196, ClinGen allele CA476051390.